The following is an entry in ClinVar:

NM_001077706.3(ECT2L):c.2180C>T (p.Thr727Ile)

Gene: ECT2L (epithelial cell transforming 2 like; plus strand). Cytogenetic location: 6q24.1.
Variant type: single nucleotide variant.
Coding change: c.2180C>T on transcript NM_001077706.3 (MANE Select); coding-DNA position 2180, C replaced by T.
Protein change: p.Thr727Ile; replaces threonine 727 with isoleucine.
Molecular consequence: missense variant.
Genome position (GRCh38, 1-based): chr6:138,885,751, C>T. VCF-style: chr6-138885751-C-T. GRCh37 (hg19) VCF-style: chr6-139206888-C-T.
Other names: c.2180C>T, p.Thr727Ile (NM_001195037.2); short protein forms T727I.
Identifiers: ClinVar variation 133998 (VCV000133998.1), dbSNP rs199701983, ClinGen allele CA158372.

ClinVar aggregate classification (germline): not provided (0 of 4 stars; one submission).

Allele frequency attached by ClinVar (database versions not stated): 1000 Genomes Project 30x 0.00047; TOPMed 0.00059; 1000 Genomes Project 0.00060; ESP Exome Variant Server 0.00080; gnomAD exomes 0.00089; gnomAD 0.00102 and 0.00248; ExAC 0.00118.
gnomAD v4.1: 1,282 of 1,614,182 alleles (0.079%); highest among the groups gnomAD compares: Non-Finnish European, 0.087%; 4 homozygotes.

Submission:

ITMI
No classification provided. Condition: AllHighlyPenetrant. Last evaluated: 2013-09-19. Review status: no classification provided. Collection method: reference population. Allele origin: germline.
Comment: Please see associated publication for description of ethnicities

Literature cited by the submitters: PubMed 24728327.